The following is an entry in ClinVar:

NM_016247.4(IMPG2):c.2530C>T (p.Arg844Trp)

Gene: IMPG2 (interphotoreceptor matrix proteoglycan 2; minus strand). Cytogenetic location: 3q12.3.
Variant type: single nucleotide variant.
Coding change: c.2530C>T on transcript NM_016247.4 (MANE Select); coding-DNA position 2530, C replaced by T.
Protein change: p.Arg844Trp; replaces arginine 844 with tryptophan.
Molecular consequence: missense variant.
Genome position (GRCh38, 1-based): chr3:101,243,801, G>A on the plus strand (C>T on the coding strand, the complement: IMPG2 is on the minus strand). VCF-style: chr3-101243801-G-A. GRCh37 (hg19) VCF-style: chr3-100962645-G-A.
Other names: c.2530C>T (NM_016247.3); short protein forms R844W.
Identifiers: ClinVar variation 1039829 (VCV001039829.8), dbSNP rs775130893, ClinGen allele CA2518955.

ClinVar aggregate classification (germline): Uncertain significance. Review status: criteria provided, multiple submitters, no conflicts (2 of 4 stars). 3 submissions from 3 submitters: Uncertain significance (3). Last evaluated 2025-01-15.

Conditions:
Inborn genetic diseases. Identifiers: MedGen C0950123, MeSH D030342.

Allele frequency attached by ClinVar (database versions not stated): gnomAD exomes 0.00005 and 0.00009; gnomAD 0.00006; ExAC 0.00008; TOPMed 0.00008.
gnomAD v4.1: 91 of 1,613,912 alleles (0.0056%); highest among the groups gnomAD compares: South Asian, 0.0066%; no homozygotes.

Submissions (3):

Ambry Genetics
Classification: Uncertain significance for Inborn genetic diseases. Last evaluated: 2025-01-15. Review status: criteria provided, single submitter. Criteria: Ambry Variant Classification Scheme 2023. Collection method: clinical testing. Allele origin: germline.

Blueprint Genetics
Classification: Uncertain significance. Last evaluated: 2022-12-07. Review status: criteria provided, single submitter. Criteria: ACMG Guidelines, 2015. Collection method: clinical testing. Allele origin: germline.

Labcorp Genetics (formerly Invitae), Labcorp
Classification: Uncertain significance. Last evaluated: 2020-09-05. Review status: criteria provided, single submitter. Criteria: Invitae Variant Classification Sherloc (09022015). Collection method: clinical testing. Allele origin: germline.
Comment: Algorithms developed to predict the effect of missense changes on protein structure and function output the following: SIFT: "Deleterious"; PolyPhen-2: "Benign"; Align-GVGD: "Class C25". The tryptophan amino acid residue is found in multiple mammalian species, suggesting that this missense change does not adversely affect protein function. These predictions have not been confirmed by published functional studies and their clinical significance is uncertain. This sequence change replaces arginine with tryptophan at codon 844 of the IMPG2 protein (p.Arg844Trp). The arginine residue is moderately conserved and there is a moderate physicochemical difference between arginine and tryptophan. This variant is present in population databases (rs775130893, ExAC 0.02%). This variant has not been reported in the literature in individuals with IMPG2-related conditions. In summary, the available evidence is currently insufficient to determine the role of this variant in disease. Therefore, it has been classified as a Variant of Uncertain Significance.